The following is an entry in ClinVar:

ClinVar aggregate classification (germline): Likely benign. Review status: criteria provided, single submitter (1 of 4 stars). 2 submissions from 2 submitters: Likely benign (1). 1 of the submissions does not count toward it. Last evaluated 2024-08-12.

Conditions:
DNHD1-related disorder. Also called: DNHD1-related condition.

Allele frequency attached by ClinVar (database versions not stated): gnomAD 0.00013; TOPMed 0.00013; 1000 Genomes Project 30x 0.00016; ESP Exome Variant Server 0.00016; 1000 Genomes Project 0.00020; gnomAD exomes 0.00025; ExAC 0.00046.
gnomAD v4.1: 394 of 1,612,856 alleles (0.024%); highest among the groups gnomAD compares: South Asian, 0.19%; 5 homozygotes.

Submissions (2):

Blueprint Genetics
Classification: Likely benign. Last evaluated: 2024-08-12. Review status: criteria provided, single submitter. Criteria: ACMG Guidelines, 2015. Collection method: clinical testing. Allele origin: germline.

PreventionGenetics, part of Exact Sciences
Classification: Likely benign for DNHD1-related condition. Last evaluated: 2019-05-28. Review status: no assertion criteria provided. Collection method: clinical testing. Allele origin: germline. Not counted in ClinVar's aggregate classification.
Comment: This variant is classified as likely benign based on ACMG/AMP sequence variant interpretation guidelines (Richards et al. 2015 PMID: 25741868, with internal and published modifications).

NM_144666.3(DNHD1):c.11400G>A (p.Thr3800=)

Gene: DNHD1 (dynein heavy chain domain 1; plus strand). Cytogenetic location: 11p15.4.
Variant type: single nucleotide variant.
Coding change: c.11400G>A on transcript NM_144666.3 (MANE Select); coding-DNA position 11400, G replaced by A.
Protein change: p.Thr3800=; no amino-acid change (threonine 3800 retained).
Molecular consequence: synonymous variant.
Genome position (GRCh38, 1-based): chr11:6,566,909, G>A. VCF-style: chr11-6566909-G-A. GRCh37 (hg19) VCF-style: chr11-6588139-G-A.
Identifiers: ClinVar variation 3039640 (VCV003039640.3), dbSNP rs369645355, ClinGen allele CA5856649.